The following is an entry in ClinVar:

ClinVar aggregate classification (germline): Uncertain significance (1 of 4 stars; one submission).

Conditions:
Leukocyte adhesion deficiency 1 (LAD1). Also called: LEUKOCYTE ADHESION DEFICIENCY, TYPE I; LAD 1; Lymphocyte function-associated antigen 1 immunodeficiency; LFA 1 immunodeficiency. Identifiers: Orphanet 2968, Orphanet 99842, MedGen C0398738, MONDO:0007293, OMIM 116920.

Allele frequency attached by ClinVar (database versions not stated): gnomAD 0.00001 and 0.00004; gnomAD exomes 0.00004 and 0.00013; TOPMed 0.00005; ExAC 0.00007; 1000 Genomes Project 30x 0.00031; 1000 Genomes Project 0.00040.
gnomAD v4.1: 62 of 1,613,332 alleles (0.0038%); highest among the groups gnomAD compares: South Asian, 0.036%; no homozygotes.

Submission:

Labcorp Genetics (formerly Invitae), Labcorp
Classification: Uncertain significance for Leukocyte adhesion deficiency 1. Last evaluated: 2023-12-11. Review status: criteria provided, single submitter. Criteria: Invitae Variant Classification Sherloc (09022015). Collection method: clinical testing. Allele origin: germline.
Comment: This sequence change replaces alanine, which is neutral and non-polar, with threonine, which is neutral and polar, at codon 702 of the ITGB2 protein (p.Ala702Thr). This variant is present in population databases (rs540038454, gnomAD 0.05%). This variant has not been reported in the literature in individuals affected with ITGB2-related conditions. ClinVar contains an entry for this variant (Variation ID: 1046965). Advanced modeling of protein sequence and biophysical properties (such as structural, functional, and spatial information, amino acid conservation, physicochemical variation, residue mobility, and thermodynamic stability) performed at Invitae indicates that this missense variant is not expected to disrupt ITGB2 protein function with a negative predictive value of 80%. In summary, the available evidence is currently insufficient to determine the role of this variant in disease. Therefore, it has been classified as a Variant of Uncertain Significance.

NM_000211.5(ITGB2):c.2104G>A (p.Ala702Thr)

Gene: ITGB2 (integrin subunit beta 2; minus strand). Cytogenetic location: 21q22.3.
Variant type: single nucleotide variant.
Coding change: c.2104G>A on transcript NM_000211.5 (MANE Select); coding-DNA position 2104, G replaced by A.
Protein change: p.Ala702Thr; replaces alanine 702 with threonine.
Molecular consequence: missense variant.
Genome position (GRCh38, 1-based): chr21:44,886,879, C>T on the plus strand (G>A on the coding strand, the complement: ITGB2 is on the minus strand). VCF-style: chr21-44886879-C-T. GRCh37 (hg19) VCF-style: chr21-46306794-C-T.
Other names: c.2104G>A, p.Ala702Thr (NM_001127491.3); c.1897G>A, p.Ala633Thr (NM_001303238.2); short protein forms A633T, A702T.
Identifiers: ClinVar variation 1046965 (VCV001046965.5), dbSNP rs540038454, ClinGen allele CA10062554.